The following is an entry in ClinVar:

ClinVar aggregate classification (germline): Likely benign (1 of 4 stars; one submission).

gnomAD v4.1: 225 of 1,613,602 alleles (0.014%); highest among the groups gnomAD compares: Non-Finnish European, 0.017%; no homozygotes.

Submission:

CeGaT Center for Human Genetics Tuebingen
Classification: Likely benign. Last evaluated: 2025-03-01. Review status: criteria provided, single submitter. Criteria: CeGaT Center For Human Genetics Tuebingen Variant Classification Criteria Version 2. Collection method: clinical testing. Allele origin: germline. Affected: yes. Observed: 1 variant allele.
Comment: SYCE2: BP4, BP7

NM_001105578.2(SYCE2):c.555C>T (p.Pro185=)

Genes: SYCE2 (synaptonemal complex central element protein 2; minus strand), LOC126862860 (BRD4-independent group 4 enhancer GRCh37_chr19:13010146-13011345; plus strand). Cytogenetic location: 19p13.13.
Variant type: single nucleotide variant.
Coding change: c.555C>T on transcript NM_001105578.2 (MANE Select); coding-DNA position 555, C replaced by T.
Protein change: p.Pro185=; no amino-acid change (proline 185 retained).
Molecular consequence: synonymous variant.
Genome position (GRCh38, 1-based): chr19:12,900,061, G>A on the plus strand (C>T on the coding strand, the complement: SYCE2 is on the minus strand). VCF-style: chr19-12900061-G-A. GRCh37 (hg19) VCF-style: chr19-13010875-G-A.
Identifiers: ClinVar variation 3778031 (VCV003778031.7).